The following is an entry in ClinVar:

NM_024675.4(PALB2):c.2050C>A (p.Pro684Thr)

Gene: PALB2 (partner and localizer of BRCA2; minus strand). Cytogenetic location: 16p12.2.
Variant type: single nucleotide variant.
Coding change: c.2050C>A on transcript NM_024675.4 (MANE Select); coding-DNA position 2050, C replaced by A.
Protein change: p.Pro684Thr; replaces proline 684 with threonine.
Molecular consequence: missense variant.
Genome position (GRCh38, 1-based): chr16:23,630,104, G>T on the plus strand (C>A on the coding strand, the complement: PALB2 is on the minus strand). VCF-style: chr16-23630104-G-T. GRCh37 (hg19) VCF-style: chr16-23641425-G-T.
Other names: c.1990C>A, p.Pro664Thr (NM_001407296.1); c.2050C>A, p.Pro684Thr (NM_001407297.1, NM_001407298.1, NM_001407299.1 and 3 more transcripts); c.1165C>A, p.Pro389Thr (NM_001407304.1, NM_001407305.1, NM_001407306.1 and 5 more transcripts); c.262C>A, p.Pro88Thr (NM_001407312.1, NM_001407313.1); short protein forms P664T, P389T, P684T, P88T.
Identifiers: ClinVar variation 1785066 (VCV001785066.2), dbSNP rs2142382431, ClinGen allele CA395126828.

ClinVar aggregate classification (germline): Uncertain significance (1 of 4 stars; one submission).

Conditions:
Hereditary cancer-predisposing syndrome. Also called: Neoplastic Syndromes, Hereditary; Tumor predisposition; Hereditary Cancer Syndrome; Hereditary neoplastic syndrome. Identifiers: Orphanet 140162, MedGen C0027672, MeSH D009386, MONDO:0015356.

Submission:

Ambry Genetics
Classification: Uncertain significance for Hereditary cancer-predisposing syndrome. Last evaluated: 2017-10-18. Review status: criteria provided, single submitter. Criteria: Ambry Variant Classification Scheme 2023. Collection method: clinical testing. Allele origin: germline.
Comment: The p.P684T variant (also known as c.2050C>A), located in coding exon 5 of the PALB2 gene, results from a C to A substitution at nucleotide position 2050. The proline at codon 684 is replaced by threonine, an amino acid with highly similar properties. This amino acid position is not well conserved in available vertebrate species. In addition, this alteration is predicted to be tolerated by in silico analysis. Since supporting evidence is limited at this time, the clinical significance of this alteration remains unclear.